The following is an entry in ClinVar:

NM_001605.3(AARS1):c.1699C>G (p.Gln567Glu)

Gene: AARS1 (alanyl-tRNA synthetase 1; minus strand). Cytogenetic location: 16q22.1.
Variant type: single nucleotide variant.
Coding change: c.1699C>G on transcript NM_001605.3 (MANE Select); coding-DNA position 1699, C replaced by G.
Protein change: p.Gln567Glu; replaces glutamine 567 with glutamic acid.
Molecular consequence: missense variant.
Genome position (GRCh38, 1-based): chr16:70,261,130, G>C on the plus strand (C>G on the coding strand, the complement: AARS1 is on the minus strand). VCF-style: chr16-70261130-G-C. GRCh37 (hg19) VCF-style: chr16-70295033-G-C.
Other names: short protein forms Q567E.
Identifiers: ClinVar variation 2056327 (VCV002056327.4), dbSNP rs992919450, ClinGen allele CA283432055.

ClinVar aggregate classification (germline): Uncertain significance (1 of 4 stars; one submission).

Conditions:
Charcot-Marie-Tooth disease type 2. Also called: Charcot-Marie-Tooth type 2. Identifiers: Orphanet 64746, MedGen C0270914, MONDO:0018993.

Allele frequency attached by ClinVar (database versions not stated): gnomAD exomes below 0.00001; TOPMed 0.00001.
gnomAD v4.1: 2 of 1,613,722 alleles (0.00012%); highest among the groups gnomAD compares: Non-Finnish European, 0.00017%; no homozygotes.

Submission:

Labcorp Genetics (formerly Invitae), Labcorp
Classification: Uncertain significance for Charcot-Marie-Tooth disease type 2. Last evaluated: 2024-02-06. Review status: criteria provided, single submitter. Criteria: Invitae Variant Classification Sherloc (09022015). Collection method: clinical testing. Allele origin: germline.
Comment: This sequence change replaces glutamine, which is neutral and polar, with glutamic acid, which is acidic and polar, at codon 567 of the AARS protein (p.Gln567Glu). This variant is not present in population databases (gnomAD no frequency). This variant has not been reported in the literature in individuals affected with AARS-related conditions. ClinVar contains an entry for this variant (Variation ID: 2056327). Advanced modeling of protein sequence and biophysical properties (such as structural, functional, and spatial information, amino acid conservation, physicochemical variation, residue mobility, and thermodynamic stability) performed at Invitae indicates that this missense variant is not expected to disrupt AARS protein function with a negative predictive value of 95%. In summary, the available evidence is currently insufficient to determine the role of this variant in disease. Therefore, it has been classified as a Variant of Uncertain Significance.